The following is an entry in ClinVar:

ClinVar aggregate classification (germline): Likely pathogenic. Review status: criteria provided, single submitter (1 of 4 stars). 2 submissions from 2 submitters: Likely pathogenic (1). 1 of the submissions does not count toward it. Last evaluated 2023-08-14.

Conditions:
Developmental and epileptic encephalopathy, 17 (DEE17). Also called: Early infantile epileptic encephalopathy 17. Identifiers: Orphanet 1934, MedGen C3809606, MONDO:0014199, OMIM 615473.
Neurodevelopmental disorder with involuntary movements (NEDIM). Identifiers: Orphanet 592564, MedGen C4479569, MONDO:0060491, OMIM 617493.

Submissions (2):

Institute of Human Genetics, University of Leipzig Medical Center
Classification: Likely pathogenic for Developmental and epileptic encephalopathy, 17. Last evaluated: 2023-08-14. Review status: criteria provided, single submitter. Criteria: ACMG Guidelines, 2015. Collection method: clinical testing. Allele origin: de novo. Inheritance: Autosomal dominant inheritance. Affected: yes.
Comment: Criteria applied: PS2_STR,PM1,PS4_SUP,PM2_SUP,PP3

Pediatric Department, Peking University First Hospital
Classification: Likely pathogenic for Developmental and epileptic encephalopathy, 17; Neurodevelopmental disorder with involuntary movements. Last evaluated: 2021-02-03. Review status: no assertion criteria provided. Collection method: clinical testing. Allele origin: de novo. Affected: yes. Not counted in ClinVar's aggregate classification.

NM_020988.3(GNAO1):c.687C>G (p.Ser229Arg)

Gene: GNAO1 (G protein subunit alpha o1; plus strand). Cytogenetic location: 16q13.
Variant type: single nucleotide variant.
Coding change: c.687C>G on transcript NM_020988.3 (MANE Select); coding-DNA position 687, C replaced by G.
Protein change: p.Ser229Arg; replaces serine 229 with arginine.
Molecular consequence: missense variant.
Genome position (GRCh38, 1-based): chr16:56,336,824, C>G. VCF-style: chr16-56336824-C-G. GRCh37 (hg19) VCF-style: chr16-56370736-C-G.
Other names: c.687C>G, p.Ser229Arg (NM_138736.3); short protein forms S229R.
Identifiers: ClinVar variation 1012171 (VCV001012171.4), dbSNP rs546569747, ClinGen allele CA395952345.